The following is an entry in ClinVar:

ClinVar aggregate classification (germline): Likely benign (1 of 4 stars; one submission).

Allele frequency attached by ClinVar (database versions not stated): gnomAD exomes 0.00005; ESP Exome Variant Server 0.00009; gnomAD 0.00009; TOPMed 0.00010; ExAC 0.00013; 1000 Genomes Project 0.00079; 1000 Genomes Project 30x 0.00104.

Submission:

CeGaT Center for Human Genetics Tuebingen
Classification: Likely benign. Last evaluated: 2023-04-01. Review status: criteria provided, single submitter. Criteria: CeGaT Center For Human Genetics Tuebingen Variant Classification Criteria Version 2. Collection method: clinical testing. Allele origin: germline. Affected: yes. Observed: 1 variant allele.
Comment: SYTL4: BS2

NM_001370165.1(SYTL4):c.436+4C>G

Gene: SYTL4 (synaptotagmin like 4; minus strand). Cytogenetic location: Xq22.1.
Variant type: single nucleotide variant.
Coding change: c.436+4C>G on transcript NM_001370165.1 (MANE Select); 4 bases into the intron after coding-DNA position 436, C replaced by G.
Molecular consequence: intron variant.
Genome position (GRCh38, 1-based): chrX:100,701,216, G>C on the plus strand (C>G on the coding strand, the complement: SYTL4 is on the minus strand). VCF-style: chrX-100701216-G-C. GRCh37 (hg19) VCF-style: chrX-99956212-G-C.
Other names: c.436+4C>G (NM_001370161.1, NM_001129896.3, NM_001370164.1 and 9 more transcripts).
Identifiers: ClinVar variation 2661040 (VCV002661040.24), dbSNP rs189707253, ClinGen allele CA10470004.
Genomic context (GRCh38, chrX:100,701,216, plus strand): 5'-GATGCTACCAGTCAGAATACACTAGGATTCCATACCAAGAACCATCTCTAGACAGGTCCA[G>C]TACCTGCAGGTTTGTGGCGCAGGGACATCCTGATTATCTCACTACCTGTGCGGTAAGCAA-3'